The following is an entry in ClinVar:

ClinVar aggregate classification (germline): Pathogenic (1 of 4 stars; one submission).

Conditions:
COG5-congenital disorder of glycosylation. Also called: CDG IIi; CONGENITAL DISORDER OF GLYCOSYLATION, TYPE IIi; COG5-CDG. Identifiers: Orphanet 263487, MedGen C3150876, MONDO:0013325, OMIM 613612.

Submission:

Labcorp Genetics (formerly Invitae), Labcorp
Classification: Pathogenic for COG5-congenital disorder of glycosylation. Last evaluated: 2021-10-19. Review status: criteria provided, single submitter. Criteria: Invitae Variant Classification Sherloc (09022015). Collection method: clinical testing. Allele origin: germline.
Comment: This sequence change creates a premature translational stop signal (p.Trp424*) in the COG5 gene. It is expected to result in an absent or disrupted protein product. Loss-of-function variants in COG5 are known to be pathogenic (PMID: 23228021). This variant is not present in population databases (ExAC no frequency). This variant has not been reported in the literature in individuals affected with COG5-related conditions. For these reasons, this variant has been classified as Pathogenic.

Literature cited by the submitters: PubMed 23228021.

NM_006348.5(COG5):c.1179G>A (p.Trp393Ter)

Gene: COG5 (component of oligomeric golgi complex 5; minus strand). Cytogenetic location: 7q22.3.
Variant type: single nucleotide variant.
Coding change: c.1179G>A on transcript NM_006348.5 (MANE Select); coding-DNA position 1179, G replaced by A.
Protein change: p.Trp393Ter; replaces tryptophan 393 with a stop codon.
Molecular consequence: nonsense.
Genome position (GRCh38, 1-based): chr7:107,298,276, C>T on the plus strand (G>A on the coding strand, the complement: COG5 is on the minus strand). VCF-style: chr7-107298276-C-T. GRCh37 (hg19) VCF-style: chr7-106938721-C-T.
Other names: c.1179G>A, p.Trp393Ter (NM_001161520.2, NM_001379511.1, NM_001379512.1 and 3 more transcripts); c.609G>A, p.Trp203Ter (NM_001379515.1); c.465G>A, p.Trp155Ter (NM_001379516.1); short protein forms W155*, W393*, W203*.
Identifiers: ClinVar variation 1394561 (VCV001394561.6), dbSNP rs2116916717, ClinGen allele CA368938700.